The following is an entry in ClinVar:

ClinVar aggregate classification (germline): Pathogenic. Review status: criteria provided, multiple submitters, no conflicts (2 of 4 stars). 3 submissions from 3 submitters: Pathogenic (2). 1 of the submissions does not count toward it. Last evaluated 2023-12-14.

Conditions:
Mitochondrial DNA depletion syndrome 6 (hepatocerebral type). Also called: Navajo neurohepatopathy; Mitochondrial DNA depletion syndrome type 6; NAVAJO NEUROPATHY. Identifiers: Orphanet 255229, MedGen C1850406, MONDO:0009747, OMIM 256810.
MPV17-related disorder. Also called: MPV17-related condition; MPV17-related disorders. Identifiers: MedGen CN239328.

Submissions (3):

Labcorp Genetics (formerly Invitae), Labcorp
Classification: Pathogenic. Last evaluated: 2023-12-14. Review status: criteria provided, single submitter. Criteria: Invitae Variant Classification Sherloc (09022015). Collection method: clinical testing. Allele origin: germline.
Comment: This sequence change creates a premature translational stop signal (p.Tyr70*) in the MPV17 gene. It is expected to result in an absent or disrupted protein product. Loss-of-function variants in MPV17 are known to be pathogenic (PMID: 23714749). This variant is not present in population databases (gnomAD no frequency). This variant has not been reported in the literature in individuals affected with MPV17-related conditions. ClinVar contains an entry for this variant (Variation ID: 2430184). For these reasons, this variant has been classified as Pathogenic.

Institute of Medical Genetics and Applied Genomics, University Hospital Tübingen
Classification: Pathogenic for Mitochondrial DNA depletion syndrome 6 (hepatocerebral type). Last evaluated: 2023-02-23. Review status: criteria provided, single submitter. Criteria: ACMG Guidelines, 2015. Collection method: clinical testing. Allele origin: germline. Inheritance: Autosomal recessive inheritance. Affected: yes.

PreventionGenetics, part of Exact Sciences
Classification: Likely pathogenic for MPV17-related condition. Last evaluated: 2024-03-22. Review status: no assertion criteria provided. Collection method: clinical testing. Allele origin: germline. Not counted in ClinVar's aggregate classification.
Comment: The MPV17 c.210C>A variant is predicted to result in premature protein termination (p.Tyr70*). To our knowledge, this variant has not been reported in the literature. This variant has not been reported in a large population database, indicating this variant is rare. Nonsense variants in MPV17 are expected to be pathogenic. This variant is interpreted as likely pathogenic.

Literature cited by the submitters: PubMed 23714749 (cited by Labcorp Genetics (formerly Invitae), Labcorp).

NM_002437.5(MPV17):c.210C>A (p.Tyr70Ter)

Genes: MPV17 (mitochondrial inner membrane protein MPV17; minus strand), UCN (urocortin; minus strand). Cytogenetic location: 2p23.3.
Variant type: single nucleotide variant.
Coding change: c.210C>A on transcript NM_002437.5 (MANE Select); coding-DNA position 210, C replaced by A.
Protein change: p.Tyr70Ter; replaces tyrosine 70 with a stop codon.
Molecular consequence: nonsense.
Genome position (GRCh38, 1-based): chr2:27,312,749, G>T on the plus strand (C>A on the coding strand, the complement: MPV17 is on the minus strand). VCF-style: chr2-27312749-G-T. GRCh37 (hg19) VCF-style: chr2-27535616-G-T.
Other names: c.210C>A (NM_002437.4); short protein forms Y70*.
Identifiers: ClinVar variation 2430184 (VCV002430184.5), dbSNP rs2148215943, ClinGen allele CA346208934.